The following is an entry in ClinVar:

ClinVar aggregate classification (germline): Uncertain significance (1 of 4 stars; one submission).

Conditions:
Tenorio syndrome (TNORS). Also called: OVERGROWTH, MACROCEPHALY, AND INTELLECTUAL DISABILITY SYNDROME. Identifiers: MedGen C4015710, MONDO:0014553, OMIM 616260.

Submission:

Labcorp Genetics (formerly Invitae), Labcorp
Classification: Uncertain significance for Tenorio syndrome. Last evaluated: 2023-11-25. Review status: criteria provided, single submitter. Criteria: Invitae Variant Classification Sherloc (09022015). Collection method: clinical testing. Allele origin: germline.
Comment: This sequence change falls in intron 5 of the RNF125 gene. It does not directly change the encoded amino acid sequence of the RNF125 protein. This variant is not present in population databases (gnomAD no frequency). This variant has not been reported in the literature in individuals affected with RNF125-related conditions. Algorithms developed to predict the effect of sequence changes on RNA splicing suggest that this variant may disrupt the consensus splice site. In summary, the available evidence is currently insufficient to determine the role of this variant in disease. Therefore, it has been classified as a Variant of Uncertain Significance.

NM_017831.4(RNF125):c.613-14_613-12del

Gene: RNF125 (ring finger protein 125; plus strand). Cytogenetic location: 18q12.1.
Variant type: Deletion.
Coding change: c.613-14_613-12del on transcript NM_017831.4 (MANE Select); 14 bases into the intron before coding-DNA position 613 through 12 bases into the intron before coding-DNA position 613, 3 bases deleted (TTT; older notation c.613-14_613-12delTTT).
Molecular consequence: intron variant.
Genome position (GRCh38, 1-based): chr18:32,068,284-32,068,286, TTT deleted; deleting any 3 consecutive bases within chr18:32,068,282-32,068,286 gives the same sequence; the c. name uses the placement nearest the transcript's 3' end. VCF-style (leftmost placement, unchanged base first): chr18-32068281-ATTT-A. GRCh37 (hg19) VCF-style: chr18-29648244-ATTT-A.
Identifiers: ClinVar variation 2790301 (VCV002790301.3), dbSNP rs2510932077, ClinGen allele CA2739268642.